The following is an entry in ClinVar:

NM_007294.4(BRCA1):c.370A>C (p.Ile124Leu)

Gene: BRCA1 (BRCA1 DNA repair associated; minus strand). Cytogenetic location: 17q21.31.
Variant type: single nucleotide variant.
Coding change: c.370A>C on transcript NM_007294.4 (MANE Select); coding-DNA position 370, A replaced by C.
Protein change: p.Ile124Leu; replaces isoleucine 124 with leucine.
Molecular consequence: missense variant. On other transcripts: non-coding transcript variant (1).
Genome position (GRCh38, 1-based): chr17:43,104,193, T>G on the plus strand (A>C on the coding strand, the complement: BRCA1 is on the minus strand). VCF-style: chr17-43104193-T-G. GRCh37 (hg19) VCF-style: chr17-41256210-T-G.
Other names: c.370A>C, p.Ile124Leu (NM_001408429.1, NM_001408434.1, NM_001408431.1 and 165 more transcripts); c.229A>C, p.Ile77Leu (NM_001407841.1, NM_001407843.1, NM_001407842.1 and 99 more transcripts); c.361A>C, p.Ile121Leu (NM_001407646.1, NM_001407647.1, NM_001408408.1); c.292A>C, p.Ile98Leu (NM_001407653.1, NM_001407654.1, NM_001407655.1 and 21 more transcripts); c.160A>C, p.Ile54Leu (NM_001407571.1, NM_001407853.1, NM_001407879.1 and 58 more transcripts); c.-12A>C (NM_001407959.1, NM_001407960.1, NM_001407962.1 and 4 more transcripts); c.238A>C, p.Ile80Leu (NM_001408451.1); short protein forms I124L, I77L, I80L, I98L, I121L, I54L.
Identifiers: ClinVar variation 240796 (VCV000240796.8), dbSNP rs80357448, ClinGen allele CA10583592.
Genomic context (GRCh38, chr17:43,104,193, plus strand): 5'-TTTCGGGTTCACTCTGTAGAAGTCTTTTGGCACGGTTTCTGTAGCCCATACTTTGGATGA[T>G]AGAAACTTCATCTTTTAGATGTTCAGGAGAGTTATTTTCCTTTTTTGCAAAATTATAGCT-3'
Protein context (NP_009225.1, residues 114-134): SPEHLKDEVS[Ile124Leu]IQSMGYRNRA

ClinVar aggregate classification (germline): Uncertain significance (1 of 4 stars; one submission).

Conditions:
Hereditary breast ovarian cancer syndrome. Also called: Hereditary breast and ovarian cancer syndrome; Hereditary breast and ovarian cancer; Hereditary breast and ovarian cancer syndrome (HBOC); Hereditary breast and/or ovarian cancer syndrome; Breast and ovarian cancer; BRCA1- and BRCA2-Associated Hereditary Breast and Ovarian Cancer. Identifiers: Orphanet 145, MedGen C0677776, MeSH D061325, MONDO:0003582. Disease mechanism: loss of function.

Submission:

Labcorp Genetics (formerly Invitae), Labcorp
Classification: Uncertain significance for Hereditary breast ovarian cancer syndrome. Last evaluated: 2023-09-04. Review status: criteria provided, single submitter. Criteria: Invitae Variant Classification Sherloc (09022015). Collection method: clinical testing. Allele origin: germline.
Comment: In summary, the available evidence is currently insufficient to determine the role of this variant in disease. Therefore, it has been classified as a Variant of Uncertain Significance. Advanced modeling of protein sequence and biophysical properties (such as structural, functional, and spatial information, amino acid conservation, physicochemical variation, residue mobility, and thermodynamic stability) performed at Invitae indicates that this missense variant is not expected to disrupt BRCA1 protein function. ClinVar contains an entry for this variant (Variation ID: 240796). This variant has not been reported in the literature in individuals affected with BRCA1-related conditions. This variant is not present in population databases (gnomAD no frequency). This sequence change replaces isoleucine, which is neutral and non-polar, with leucine, which is neutral and non-polar, at codon 124 of the BRCA1 protein (p.Ile124Leu).